The following is an entry in ClinVar:

ClinVar aggregate classification (germline): Uncertain significance. Review status: criteria provided, multiple submitters, no conflicts (2 of 4 stars). 3 submissions from 3 submitters: Uncertain significance (3). Last evaluated 2026-05-06.

Conditions:
RPGRIP1L-related disorder. Also called: RPGRIP1L-related condition; RPGRIP1L-related disorders. Identifiers: MedGen CN239416.
Joubert syndrome. Also called: JOUBERT-BOLTSHAUSER SYNDROME; Familial aplasia of the vermis. Identifiers: Orphanet 475, MedGen C5979921, MONDO:0018772.
Meckel-Gruber syndrome. Also called: DYSENCEPHALIA SPLANCHNOCYSTICA; GRUBER SYNDROME; Dysencephalia splachnocystica. Identifiers: Orphanet 564, MedGen C0265215, MONDO:0018921.

Allele frequency attached by ClinVar (database versions not stated): gnomAD 0.00001.
gnomAD v4.1: 15 of 1,612,762 alleles (0.00093%); highest among the groups gnomAD compares: Middle Eastern, 0.017%; no homozygotes.

Submissions (3):

PreventionGenetics, part of Exact Sciences
Classification: Uncertain significance for RPGRIP1L-related condition. Last evaluated: 2026-05-06. Review status: criteria provided, single submitter. Criteria: ACMG Guidelines, 2015. Collection method: clinical testing. Allele origin: germline.
Comment: The RPGRIP1L c.972C>G variant is predicted to result in the amino acid substitution p.Cys324Trp. To our knowledge, this variant has not been reported in the literature. This variant is reported in 0.0016% of alleles in individuals of European (Non-Finnish) descent in gnomAD. At this time, the clinical significance of this variant is uncertain due to the absence of conclusive functional and genetic evidence.

Labcorp Genetics (formerly Invitae), Labcorp
Classification: Uncertain significance for Joubert syndrome; Meckel-Gruber syndrome. Last evaluated: 2024-10-17. Review status: criteria provided, single submitter. Criteria: Invitae Variant Classification Sherloc (09022015). Collection method: clinical testing. Allele origin: germline.
Comment: This sequence change replaces cysteine, which is neutral and slightly polar, with tryptophan, which is neutral and slightly polar, at codon 324 of the RPGRIP1L protein (p.Cys324Trp). The frequency data for this variant in the population databases is considered unreliable, as metrics indicate poor data quality at this position in the gnomAD database. This variant has not been reported in the literature in individuals affected with RPGRIP1L-related conditions. ClinVar contains an entry for this variant (Variation ID: 2155701). Invitae Evidence Modeling of protein sequence and biophysical properties (such as structural, functional, and spatial information, amino acid conservation, physicochemical variation, residue mobility, and thermodynamic stability) indicates that this missense variant is expected to disrupt RPGRIP1L protein function with a positive predictive value of 80%. In summary, the available evidence is currently insufficient to determine the role of this variant in disease. Therefore, it has been classified as a Variant of Uncertain Significance.

Blueprint Genetics
Classification: Uncertain significance. Last evaluated: 2024-08-12. Review status: criteria provided, single submitter. Criteria: ACMG Guidelines, 2015. Collection method: clinical testing. Allele origin: germline.

NM_015272.5(RPGRIP1L):c.972C>G (p.Cys324Trp)

Gene: RPGRIP1L (RPGRIP1 like; minus strand). Cytogenetic location: 16q12.2.
Variant type: single nucleotide variant.
Coding change: c.972C>G on transcript NM_015272.5 (MANE Select); coding-DNA position 972, C replaced by G.
Protein change: p.Cys324Trp; replaces cysteine 324 with tryptophan.
Molecular consequence: missense variant.
Genome position (GRCh38, 1-based): chr16:53,672,927, G>C on the plus strand (C>G on the coding strand, the complement: RPGRIP1L is on the minus strand). VCF-style: chr16-53672927-G-C. GRCh37 (hg19) VCF-style: chr16-53706839-G-C.
Other names: c.972C>G (NM_015272.4); c.972C>G, p.Cys324Trp (NM_001127897.4, NM_001308334.3, NM_001330538.2); short protein forms C324W.
Identifiers: ClinVar variation 2155701 (VCV002155701.8), dbSNP rs1289804735, ClinGen allele CA395922854.